The following is an entry in ClinVar:

NM_001734.5(C1S):c.920C>T (p.Ala307Val)

Gene: C1S (complement C1s; plus strand). Cytogenetic location: 12p13.31.
Variant type: single nucleotide variant.
Coding change: c.920C>T on transcript NM_001734.5 (MANE Select); coding-DNA position 920, C replaced by T.
Protein change: p.Ala307Val; replaces alanine 307 with valine.
Molecular consequence: missense variant.
Genome position (GRCh38, 1-based): chr12:7,066,566, C>T. VCF-style: chr12-7066566-C-T. GRCh37 (hg19) VCF-style: chr12-7173870-C-T.
Other names: p.Ala307Val; c.920C>T (NM_201442.3); c.419C>T, p.Ala140Val (NM_001346850.2); c.920C>T, p.Ala307Val (NM_201442.4); short protein forms A307V, A140V.
Identifiers: ClinVar variation 717301 (VCV000717301.24), dbSNP rs78558058, ClinGen allele CA6423619.

ClinVar aggregate classification (germline): Benign/Likely benign. Review status: criteria provided, multiple submitters, no conflicts (2 of 4 stars). 6 submissions from 6 submitters: Benign (2); Likely benign (3). 1 of the submissions does not count toward it. Last evaluated 2026-02-02.

Conditions:
C1S-related disorder. Also called: C1S-related condition.

Allele frequency attached by ClinVar (database versions not stated): gnomAD exomes 0.00031 and 0.00082; 1000 Genomes Project 30x 0.00453; ExAC 0.00107; gnomAD 0.00340 and 0.00350; TOPMed 0.00381; 1000 Genomes Project 0.00399; ESP Exome Variant Server 0.00400.
gnomAD v4.1: 976 of 1,613,854 alleles (0.06%); highest among the groups gnomAD compares: African/African-American, 1.1%; 8 homozygotes.

Submissions (6):

Labcorp Genetics (formerly Invitae), Labcorp
Classification: Benign. Last evaluated: 2026-02-02. Review status: criteria provided, single submitter. Criteria: Invitae Variant Classification Sherloc (09022015). Collection method: clinical testing. Allele origin: germline.

Women's Health and Genetics/Laboratory Corporation of America, LabCorp
Classification: Likely benign. Last evaluated: 2026-01-30. Review status: criteria provided, single submitter. Criteria: LabCorp Variant Classification Summary - May 2015. Collection method: clinical testing. Allele origin: germline.
Comment: Variant summary: C1S c.920C>T (p.Ala307Val) results in a non-conservative amino acid change in the encoded protein sequence. Algorithms developed to predict the effect of missense changes on protein structure and function are either unavailable or do not agree on the potential impact of this missense change. The variant allele was found at a frequency of 0.00082 in 251476 control chromosomes, predominantly at a frequency of 0.011 within the African or African-American subpopulation in the gnomAD database, including 1 homozygotes. The observed variant frequency within African or African-American control individuals in the gnomAD database exceeds the estimated maximal expected allele frequency for disease-causing variants in C1S. To our knowledge, no occurrence of c.920C>T in individuals affected with C1S-related conditions and no experimental evidence demonstrating its impact on protein function have been reported. ClinVar contains an entry for this variant (Variation ID: 717301). Based on the evidence outlined above, the variant was classified as likely benign.

CeGaT Center for Human Genetics Tuebingen
Classification: Likely benign. Last evaluated: 2025-08-01. Review status: criteria provided, single submitter. Criteria: CeGaT Center For Human Genetics Tuebingen Variant Classification Criteria Version 2. Collection method: clinical testing. Allele origin: germline. Affected: yes. Observed: 1 variant allele.
Comment: C1S: BP4, BS1

Mayo Clinic Laboratories, Mayo Clinic
Classification: Benign. Last evaluated: 2025-06-24. Review status: criteria provided, single submitter. Criteria: ACMG Guidelines, 2015. Collection method: clinical testing. Allele origin: germline. Observed: 1 variant allele.
Comment: BS1, BS2, BP4_moderate

Blueprint Genetics
Classification: Likely benign. Last evaluated: 2024-09-19. Review status: criteria provided, single submitter. Criteria: ACMG Guidelines, 2015. Collection method: clinical testing. Allele origin: germline.

PreventionGenetics, part of Exact Sciences
Classification: Benign for C1S-related condition. Last evaluated: 2019-06-04. Review status: no assertion criteria provided. Collection method: clinical testing. Allele origin: germline. Not counted in ClinVar's aggregate classification.
Comment: This variant is classified as benign based on ACMG/AMP sequence variant interpretation guidelines (Richards et al. 2015 PMID: 25741868, with internal and published modifications).